The following is an entry in ClinVar:

NM_004006.3(DMD):c.1738_1744del (p.Glu579_Asp580insTer)

Gene: DMD (dystrophin; minus strand). Cytogenetic location: Xp21.1.
Variant type: Deletion.
Coding change: c.1738_1744del on transcript NM_004006.3 (MANE Select); coding-DNA positions 1738 to 1744, 7 bases deleted (GATGCAG; older notation c.1738_1744delGATGCAG).
Protein change: p.Glu579_Asp580insTer.
Molecular consequence: nonsense.
Genome position (GRCh38, 1-based): chrX:32,573,598-32,573,604, CTGCATC deleted on the plus strand (GATGCAG on the coding strand, the reverse complement: DMD is on the minus strand). VCF-style (leftmost placement, unchanged base first): chrX-32573597-ACTGCATC-A. GRCh37 (hg19) VCF-style: chrX-32591714-ACTGCATC-A.
Other names: c.1714_1720del, p.Glu571_Asp572insTer (NM_000109.4); c.1726_1732del, p.Glu575_Asp576insTer (NM_004009.3); c.1369_1375del, p.Glu456_Asp457insTer (NM_004010.3).
Identifiers: ClinVar variation 4719836 (VCV004719836.1).

ClinVar aggregate classification (germline): Pathogenic (1 of 4 stars; one submission).

Conditions:
Duchenne muscular dystrophy (DMD). Also called: MUSCULAR DYSTROPHY, PSEUDOHYPERTROPHIC PROGRESSIVE, DUCHENNE TYPE; Duchenne Muscular Dystrophy (DMD). Identifiers: Orphanet 98896, MedGen C0013264, MONDO:0010679, OMIM 310200.

Submission:

Labcorp Genetics (formerly Invitae), Labcorp
Classification: Pathogenic for Duchenne muscular dystrophy. Last evaluated: 2025-06-29. Review status: criteria provided, single submitter. Criteria: Invitae Variant Classification Sherloc (09022015). Collection method: clinical testing. Allele origin: germline.
Comment: This sequence change creates a premature translational stop signal (p.Asp580*) in the DMD gene. It is expected to result in an absent or disrupted protein product. Loss-of-function variants in DMD are known to be pathogenic (PMID: 16770791, 25007885). This variant is not present in population databases (gnomAD no frequency). This variant has not been reported in the literature in individuals affected with DMD-related conditions. Algorithms developed to predict the effect of sequence changes on RNA splicing suggest that this variant may disrupt the consensus splice site. For these reasons, this variant has been classified as Pathogenic.

Literature cited by the submitters: PubMed 16770791; PubMed 25007885.